The following is an entry in ClinVar:

ClinVar aggregate classification (germline): Uncertain significance. Review status: criteria provided, single submitter (1 of 4 stars). 2 submissions from 2 submitters: Uncertain significance (1). 1 of the submissions does not count toward it. Last evaluated 2017-05-10.

Conditions:
KATNAL2-related disorder. Also called: KATNAL2-related condition.

Allele frequency attached by ClinVar (database versions not stated): 1000 Genomes Project 0.00020; gnomAD 0.00012 and 0.00013; gnomAD exomes 0.00016 and 0.00005; ExAC 0.00015; TOPMed 0.00022.
gnomAD v4.1: 102 of 1,613,938 alleles (0.0063%); highest among the groups gnomAD compares: East Asian, 0.078%; no homozygotes.

Submissions (3):

Ambry Genetics
Classification: Uncertain significance. Last evaluated: 2017-05-10. Review status: criteria provided, single submitter. Criteria: Ambry Variant Classification Scheme 2023. Collection method: clinical testing. Allele origin: germline.
Comment: The p.S159G variant (also known as c.475A>G), located in coding exon 6 of the KATNAL2 gene, results from an A to G substitution at nucleotide position 475. The serine at codon 159 is replaced by glycine, an amino acid with similar properties. This amino acid position is not well conserved in available vertebrate species. In addition, the in silico prediction for this alteration is inconclusive. Since supporting evidence is limited at this time, the clinical significance of this alteration remains unclear.

PreventionGenetics, part of Exact Sciences
Classification: Likely benign for KATNAL2-related condition. Last evaluated: 2022-03-28. Review status: no assertion criteria provided. Collection method: clinical testing. Allele origin: germline. Not counted in ClinVar's aggregate classification.
Comment: This variant is classified as likely benign based on ACMG/AMP sequence variant interpretation guidelines (Richards et al. 2015 PMID: 25741868, with internal and published modifications).

Dr. Peter K. Rogan Lab, Western University
No classification provided (evidence only). Condition: Thymoma. Review status: no classification provided. Collection method: in vitro. Allele origin: not applicable. Functional consequence: retained intron. Not counted in ClinVar's aggregate classification.

NM_001387690.1(KATNAL2):c.691A>G (p.Ser231Gly)

Gene: KATNAL2 (katanin catalytic subunit A1 like 2; plus strand). Cytogenetic location: 18q21.1.
Variant type: single nucleotide variant.
Coding change: c.691A>G on transcript NM_001387690.1 (MANE Select); coding-DNA position 691, A replaced by G.
Protein change: p.Ser231Gly; replaces serine 231 with glycine.
Molecular consequence: missense variant. On other transcripts: non-coding transcript variant (1).
Genome position (GRCh38, 1-based): chr18:47,063,326, A>G. VCF-style: chr18-47063326-A-G. GRCh37 (hg19) VCF-style: chr18-44589697-A-G.
Other names: NC_000018.9:g.44589697A>G; c.769A>G, p.Ser257Gly (NM_001353899.1, NM_001353902.1); c.766A>G, p.Ser256Gly (NM_001353900.1); c.691A>G, p.Ser231Gly (NM_001353901.1, NM_001367621.1); c.358A>G, p.Ser120Gly (NM_001353903.1, NM_001353904.1, NM_001353905.1 and 4 more transcripts); c.475A>G, p.Ser159Gly (NM_031303.3); short protein forms S159G, S120G, S231G, S257G, S256G.
Identifiers: ClinVar variation 589770 (VCV000589770.8), dbSNP rs536393526, ClinGen allele CA8955053.